The following is an entry in ClinVar:

NM_002972.4(SBF1):c.5219A>T (p.Gln1740Leu)

Gene: SBF1 (SET binding factor 1; minus strand). Cytogenetic location: 22q13.33.
Variant type: single nucleotide variant.
Coding change: c.5219A>T on transcript NM_002972.4 (MANE Select); coding-DNA position 5219, A replaced by T.
Protein change: p.Gln1740Leu; replaces glutamine 1740 with leucine.
Molecular consequence: missense variant.
Genome position (GRCh38, 1-based): chr22:50,448,377, T>A on the plus strand (A>T on the coding strand, the complement: SBF1 is on the minus strand). VCF-style: chr22-50448377-T-A. GRCh37 (hg19) VCF-style: chr22-50886806-T-A.
Other names: c.5144A>T, p.Gln1715Leu (NM_001365819.1); c.5222A>T, p.Gln1741Leu (NM_001410794.1); c.5141A>T, p.Gln1714Leu (NM_001410795.1); short protein forms Q1714L, Q1715L, Q1740L, Q1741L.
Identifiers: ClinVar variation 4681105 (VCV004681105.1).

ClinVar aggregate classification (germline): Uncertain significance (1 of 4 stars; one submission).

gnomAD v4.1: 3 of 1,613,838 alleles (0.00019%); highest among the groups gnomAD compares: Non-Finnish European, 0.00025%; no homozygotes.

Submission:

GeneDx
Classification: Uncertain significance. Last evaluated: 2025-07-01. Review status: criteria provided, single submitter. Criteria: GeneDx Variant Classification Process June 2021. Collection method: clinical testing. Allele origin: germline. Affected: yes.
Comment: Not observed at significant frequency in large population cohorts (gnomAD); In silico analysis suggests that this missense variant does not alter protein structure/function; Has not been previously published as pathogenic or benign to our knowledge